The following is an entry in ClinVar:

NM_001382391.1(CSPP1):c.1776G>A (p.Pro592=)

Gene: CSPP1 (centrosome and spindle pole associated protein 1; plus strand). Cytogenetic location: 8q13.2.
Variant type: single nucleotide variant.
Coding change: c.1776G>A on transcript NM_001382391.1 (MANE Select); coding-DNA position 1776, G replaced by A.
Protein change: p.Pro592=; no amino-acid change (proline 592 retained).
Molecular consequence: synonymous variant.
Genome position (GRCh38, 1-based): chr8:67,132,029, G>A. VCF-style: chr8-67132029-G-A. GRCh37 (hg19) VCF-style: chr8-68044264-G-A.
Other names: c.879G>A, p.Pro293= (NM_001291339.2); c.1695G>A, p.Pro565= (NM_001363131.2); c.1734G>A, p.Pro578= (NM_001363132.2); c.1653G>A, p.Pro551= (NM_001363133.2); c.1842G>A, p.Pro614= (NM_001364869.1); c.1662G>A, p.Pro554= (NM_001364870.1); c.1761G>A, p.Pro587= (NM_024790.7).
Identifiers: ClinVar variation 1563758 (VCV001563758.31), dbSNP rs201940935, ClinGen allele CA4770653.

ClinVar aggregate classification (germline): Likely benign. Review status: criteria provided, multiple submitters, no conflicts (2 of 4 stars). 3 submissions from 3 submitters: Likely benign (3). Last evaluated 2025-09-01.

Conditions:
Joubert syndrome 21 (JBTS21). Identifiers: MedGen C3810212, MONDO:0014288, OMIM 615636.

Allele frequency attached by ClinVar (database versions not stated): TOPMed 0.00002; gnomAD exomes 0.00003 and 0.00006; gnomAD 0.00004 and 0.00005; ExAC 0.00007.
gnomAD v4.1: 66 of 1,613,734 alleles (0.0041%); highest among the groups gnomAD compares: Middle Eastern, 0.083%; no homozygotes.

Submissions (3):

CeGaT Center for Human Genetics Tuebingen
Classification: Likely benign. Last evaluated: 2025-09-01. Review status: criteria provided, single submitter. Criteria: CeGaT Center For Human Genetics Tuebingen Variant Classification Criteria Version 2. Collection method: clinical testing. Allele origin: germline. Affected: yes. Observed: 3 variant alleles.
Comment: CSPP1: BP4, BP7

Labcorp Genetics (formerly Invitae), Labcorp
Classification: Likely benign for Joubert syndrome 21. Last evaluated: 2025-07-30. Review status: criteria provided, single submitter. Criteria: Invitae Variant Classification Sherloc (09022015). Collection method: clinical testing. Allele origin: germline.

Blueprint Genetics
Classification: Likely benign. Last evaluated: 2023-03-16. Review status: criteria provided, single submitter. Criteria: ACMG Guidelines, 2015. Collection method: clinical testing. Allele origin: germline.